The following is an entry in ClinVar:

ClinVar aggregate classification (germline): Uncertain significance. Review status: criteria provided, multiple submitters, no conflicts (2 of 4 stars). 2 submissions from 2 submitters: Uncertain significance (2). Last evaluated 2024-11-09.

Conditions:
Inborn genetic diseases. Identifiers: MedGen C0950123, MeSH D030342.

Allele frequency attached by ClinVar (database versions not stated): gnomAD exomes 0.00002; ExAC 0.00003.
gnomAD v4.1: 26 of 1,614,158 alleles (0.0016%); highest among the groups gnomAD compares: South Asian, 0.027%; no homozygotes.

Submissions (2):

Ambry Genetics
Classification: Uncertain significance for Inborn genetic diseases. Last evaluated: 2024-11-09. Review status: criteria provided, single submitter. Criteria: Ambry Variant Classification Scheme 2023. Collection method: clinical testing. Allele origin: germline.

Labcorp Genetics (formerly Invitae), Labcorp
Classification: Uncertain significance. Last evaluated: 2022-01-11. Review status: criteria provided, single submitter. Criteria: Invitae Variant Classification Sherloc (09022015). Collection method: clinical testing. Allele origin: germline.
Comment: This sequence change replaces glutamine, which is neutral and polar, with leucine, which is neutral and non-polar, at codon 449 of the VAC14 protein (p.Gln449Leu). This variant is present in population databases (rs775390188, gnomAD 0.04%). This variant has not been reported in the literature in individuals affected with VAC14-related conditions. Algorithms developed to predict the effect of missense changes on protein structure and function (SIFT, PolyPhen-2, Align-GVGD) all suggest that this variant is likely to be tolerated. In summary, the available evidence is currently insufficient to determine the role of this variant in disease. Therefore, it has been classified as a Variant of Uncertain Significance.

NM_018052.5(VAC14):c.1346A>T (p.Gln449Leu)

Genes: VAC14 (VAC14 component of PIKFYVE complex; minus strand), VAC14-AS1 (VAC14 antisense RNA 1; plus strand). Cytogenetic location: 16q22.1.
Variant type: single nucleotide variant.
Coding change: c.1346A>T on transcript NM_018052.5 (MANE Select); coding-DNA position 1346, A replaced by T.
Protein change: p.Gln449Leu; replaces glutamine 449 with leucine.
Molecular consequence: missense variant.
Genome position (GRCh38, 1-based): chr16:70,762,565, T>A on the plus strand (A>T on the coding strand, the complement: VAC14 is on the minus strand). VCF-style: chr16-70762565-T-A. GRCh37 (hg19) VCF-style: chr16-70796468-T-A.
Other names: c.644A>T, p.Gln215Leu (NM_001351157.2); c.1346A>T (NM_018052.3); short protein forms Q215L, Q449L.
Identifiers: ClinVar variation 2420949 (VCV002420949.4), dbSNP rs775390188, ClinGen allele CA8147707.